The following is an entry in ClinVar:

NM_004168.4(SDHA):c.530G>A (p.Ser177Asn)

Gene: SDHA (succinate dehydrogenase complex flavoprotein subunit A; plus strand). Cytogenetic location: 5p15.33.
Variant type: single nucleotide variant.
Coding change: c.530G>A on transcript NM_004168.4 (MANE Select); coding-DNA position 530, G replaced by A.
Protein change: p.Ser177Asn; replaces serine 177 with asparagine.
Molecular consequence: missense variant.
Genome position (GRCh38, 1-based): chr5:225,956, G>A. VCF-style: chr5-225956-G-A. GRCh37 (hg19) VCF-style: chr5-226071-G-A.
Other names: c.530G>A (NM_004168.3); c.386G>A, p.Ser129Asn (NM_001294332.2); c.530G>A, p.Ser177Asn (NM_001330758.2); short protein forms S129N, S177N.
Identifiers: ClinVar variation 1000589 (VCV001000589.10), dbSNP rs1553997783, ClinGen allele CA359010221.
Genomic context (GRCh38, chr5:225,956, plus strand): 5'-GCATGCCGTTTAGCAGAACTGAAGATGGGAAGATTTATCAGCGTGCATTTGGTGGACAGA[G>A]CCTCAAGTTTGGAAAGGGCGGGCAGGCCCATCGGTGCTGCTGTGTGGCTGATCGGACTGG-3'
Protein context (NP_004159.2, residues 167-187): KIYQRAFGGQ[Ser177Asn]LKFGKGGQAH

ClinVar aggregate classification (germline): Uncertain significance. Review status: criteria provided, multiple submitters, no conflicts (2 of 4 stars). 3 submissions from 3 submitters: Uncertain significance (3). Last evaluated 2025-09-11.

Conditions:
Mitochondrial complex II deficiency, nuclear type 1. Also called: SUCCINATE CoQ REDUCTASE DEFICIENCY. Identifiers: Orphanet 3208, MedGen C5700310, MONDO:0100294, OMIM 252011.
Pheochromocytoma/paraganglioma syndrome 5. Also called: Paragangliomas 5; SDHA-Related Hereditary Paraganglioma-Pheochromocytoma Syndrome. Identifiers: Orphanet 29072, MedGen C3279992, MONDO:0013602, OMIM 614165.
Hereditary cancer-predisposing syndrome. Also called: Tumor predisposition; Hereditary neoplastic syndrome; Neoplastic Syndromes, Hereditary; Hereditary Cancer Syndrome. Identifiers: Orphanet 140162, MedGen C0027672, MeSH D009386, MONDO:0015356.

Allele frequency attached by ClinVar (database versions not stated): gnomAD exomes below 0.00001.
gnomAD v4.1: 1 of 1,614,128 alleles (0.000062%); highest among the groups gnomAD compares: Non-Finnish European, 0.000085%; no homozygotes.

Submissions (3):

Quest Diagnostics Nichols Institute San Juan Capistrano
Classification: Uncertain significance. Last evaluated: 2025-09-11. Review status: criteria provided, single submitter. Criteria: Quest Diagnostics criteria. Collection method: clinical testing. Allele origin: unknown.
Comment: The SDHA c.530G>A (p.Ser177Asn) variant has been reported in the published literature in an individual with unspecified cancer (PMID: 32373528 (2020)). This variant has not been reported in large, multi-ethnic general populations (Genome Aggregation Database). Analysis of this variant using bioinformatics tools for the prediction of the effect of amino acid changes on protein structure and function yielded predictions that this variant is damaging. Based on the available information, we are unable to determine the clinical significance of this variant.

Labcorp Genetics (formerly Invitae), Labcorp
Classification: Uncertain significance for Pheochromocytoma/paraganglioma syndrome 5; Mitochondrial complex II deficiency, nuclear type 1. Last evaluated: 2023-12-23. Review status: criteria provided, single submitter. Criteria: Invitae Variant Classification Sherloc (09022015). Collection method: clinical testing. Allele origin: germline.
Comment: This sequence change replaces serine, which is neutral and polar, with asparagine, which is neutral and polar, at codon 177 of the SDHA protein (p.Ser177Asn). This variant is not present in population databases (gnomAD no frequency). This variant has not been reported in the literature in individuals affected with SDHA-related conditions. ClinVar contains an entry for this variant (Variation ID: 1000589). Advanced modeling of protein sequence and biophysical properties (such as structural, functional, and spatial information, amino acid conservation, physicochemical variation, residue mobility, and thermodynamic stability) has been performed at Invitae for this missense variant, however the output from this modeling did not meet the statistical confidence thresholds required to predict the impact of this variant on SDHA protein function. In summary, the available evidence is currently insufficient to determine the role of this variant in disease. Therefore, it has been classified as a Variant of Uncertain Significance.

Ambry Genetics
Classification: Uncertain significance for Hereditary cancer-predisposing syndrome. Last evaluated: 2023-09-16. Review status: criteria provided, single submitter. Criteria: Ambry Variant Classification Scheme 2023. Collection method: clinical testing. Allele origin: germline.
Comment: The p.S177N variant (also known as c.530G>A), located in coding exon 5 of the SDHA gene, results from a G to A substitution at nucleotide position 530. The serine at codon 177 is replaced by asparagine, an amino acid with highly similar properties. This amino acid position is highly conserved in available vertebrate species. In addition, the in silico prediction for this alteration is inconclusive. Since supporting evidence is limited at this time, the clinical significance of this alteration remains unclear.

Literature cited by the submitters: PubMed 32373528 (cited by Quest Diagnostics Nichols Institute San Juan Capistrano).